The following is an entry in ClinVar:

ClinVar aggregate classification (germline): Likely pathogenic (1 of 4 stars; one submission).

Conditions:
Autosomal recessive Alport syndrome (ATS2). Also called: COL4A4 Alport Syndrome and Thin Basement Membrane Nephropathy; COL4A3-Related Nephropathy; ALPORT SYNDROME 2, AUTOSOMAL RECESSIVE; Alport syndrome type 2. Identifiers: Orphanet 63, Orphanet 88919, MedGen C4746745, MONDO:0008762, OMIM 203780.

gnomAD v4.1: 1 of 1,614,214 alleles (0.000062%); highest among the groups gnomAD compares: African/African-American, 0.0013%; no homozygotes.

Submission:

Women's Health and Genetics/Laboratory Corporation of America, LabCorp
Classification: Likely pathogenic for Autosomal recessive Alport syndrome. Last evaluated: 2024-11-18. Review status: criteria provided, single submitter. Criteria: LabCorp Variant Classification Summary - May 2015. Collection method: clinical testing. Allele origin: germline.
Comment: Variant summary: COL4A3 c.4027+1G>C is located in a canonical splice-site and is predicted to affect mRNA splicing resulting in a significantly altered protein due to either exon skipping, shortening, or inclusion of intronic material. Variants that disrupt the consensus splice site are a relatively common cause of aberrant splicing and loss of COL4A3 function. Several computational tools predict a significant impact on normal splicing: Three predict the variant abolishes a 5' splicing donor site. However, these predictions have yet to be confirmed by functional studies. The variant allele was found at a frequency of 4e-06 in 249520 control chromosomes. To our knowledge, no occurrence of c.4027+1G>C in individuals affected with Alport Syndrome, Autosomal Recessive and no experimental evidence demonstrating its impact on protein function have been reported. No submitters have cited clinical-significance assessments for this variant to ClinVar. Based on the evidence outlined above, the variant was classified as likely pathogenic.

NM_000091.5(COL4A3):c.4027+1G>C

Genes: MFF-DT (MFF divergent transcript; minus strand), COL4A3 (collagen type IV alpha 3 chain; plus strand). Cytogenetic location: 2q36.3.
Variant type: single nucleotide variant.
Coding change: c.4027+1G>C on transcript NM_000091.5 (MANE Select); the canonical splice donor site of the intron after coding-DNA position 4027, G replaced by C.
Molecular consequence: splice donor variant.
Genome position (GRCh38, 1-based): chr2:227,303,931, G>C. VCF-style: chr2-227303931-G-C. GRCh37 (hg19) VCF-style: chr2-228168647-G-C.
Identifiers: ClinVar variation 3630040 (VCV003630040.1).